The following is an entry in ClinVar:

ClinVar aggregate classification (germline): Uncertain significance (1 of 4 stars; one submission).

Submission:

GeneDx
Classification: Uncertain significance. Last evaluated: 2018-11-26. Review status: criteria provided, single submitter. Criteria: GeneDx Variant Classification (06012015). Collection method: clinical testing. Allele origin: germline. Affected: yes.
Comment: The S433F variant in the TSC2 gene has not been reported previously as a pathogenic variant, nor as a benign variant, to our knowledge. This variant is not observed in large population cohorts (Lek et al., 2016). The S433F variant is a non-conservative amino acid substitution, which is likely to impact secondary protein structure as these residues differ in polarity, charge, size and/or other properties. In-silico analyses, including protein predictors and evolutionary conservation, support a deleterious effect. We interpret S433F as a variant of uncertain significance.

NM_000548.5(TSC2):c.1298C>T (p.Ser433Phe)

Gene: TSC2 (TSC complex subunit 2; plus strand). Cytogenetic location: 16p13.3.
Variant type: single nucleotide variant.
Coding change: c.1298C>T on transcript NM_000548.5 (MANE Select); coding-DNA position 1298, C replaced by T.
Protein change: p.Ser433Phe; replaces serine 433 with phenylalanine.
Molecular consequence: missense variant.
Genome position (GRCh38, 1-based): chr16:2,062,537, C>T. VCF-style: chr16-2062537-C-T. GRCh37 (hg19) VCF-style: chr16-2112538-C-T.
Other names: c.1298C>T, p.Ser433Phe (NM_001077183.3, NM_001114382.3, NM_001363528.2 and 3 more transcripts); c.1187C>T, p.Ser396Phe (NM_001318827.2); c.1151C>T, p.Ser384Phe (NM_001318829.2); c.698C>T, p.Ser233Phe (NM_001318831.2); c.1331C>T, p.Ser444Phe (NM_001318832.2); short protein forms S433F, S233F, S384F, S396F, S444F.
Identifiers: ClinVar variation 418667 (VCV000418667.2), dbSNP rs397515187, ClinGen allele CA16620087.